The following is an entry in ClinVar:

NM_152424.4(AMER1):c.205C>A (p.Leu69Met)

Gene: AMER1 (APC membrane recruitment protein 1; minus strand). Cytogenetic location: Xq11.2.
Variant type: single nucleotide variant.
Coding change: c.205C>A on transcript NM_152424.4 (MANE Select); coding-DNA position 205, C replaced by A.
Protein change: p.Leu69Met; replaces leucine 69 with methionine.
Molecular consequence: missense variant.
Genome position (GRCh38, 1-based): chrX:64,193,082, G>T on the plus strand (C>A on the coding strand, the complement: AMER1 is on the minus strand). VCF-style: chrX-64193082-G-T. GRCh37 (hg19) VCF-style: chrX-63412962-G-T.
Other names: c.205C>A (NM_152424.3); short protein forms L69M.
Identifiers: ClinVar variation 1972490 (VCV001972490.6), dbSNP rs376576434, ClinGen allele CA10432522.

ClinVar aggregate classification (germline): Conflicting classifications of pathogenicity. Review status: criteria provided, conflicting classifications (1 of 4 stars). 2 submissions from 2 submitters: Uncertain significance (1); Likely benign (1). Last evaluated 2024-04-01.

Conditions:
AMER1-related disorder. Also called: AMER1-related condition.

Allele frequency attached by ClinVar (database versions not stated): gnomAD 0.00001; ExAC 0.00002; gnomAD exomes 0.00003; TOPMed 0.00003; ESP Exome Variant Server 0.00009.

Submissions (2):

Labcorp Genetics (formerly Invitae), Labcorp
Classification: Likely benign. Last evaluated: 2024-04-01. Review status: criteria provided, single submitter. Criteria: Invitae Variant Classification Sherloc (09022015). Collection method: clinical testing. Allele origin: germline.

PreventionGenetics, part of Exact Sciences
Classification: Uncertain significance for AMER1-related condition. Last evaluated: 2023-08-15. Review status: criteria provided, single submitter. Criteria: ACMG Guidelines, 2015. Collection method: clinical testing. Allele origin: germline.
Comment: The AMER1 c.205C>A variant is predicted to result in the amino acid substitution p.Leu69Met. To our knowledge, this variant has not been reported in the literature. This variant is reported in 0.0061% of alleles in individuals of European (Non-Finnish) descent in gnomAD. Although we suspect that this variant may be benign, at this time, the clinical significance of this variant is uncertain due to the absence of conclusive functional and genetic evidence.